The following is an entry in ClinVar:

ClinVar aggregate classification (germline): Pathogenic (0 of 4 stars; one submission).

Conditions:
Hearing loss, autosomal recessive 118, with cochlear aplasia. Also called: Deafness, autosomal recessive 118, with cochlear aplasia. Identifiers: MedGen C5561996, MONDO:0030449, OMIM 619553.

Submission:

ClinVar Staff, National Center for Biotechnology Information (NCBI)
Classification: Pathogenic for Hearing loss, autosomal recessive 118, with cochlear aplasia. Review status: no assertion criteria provided. Collection method: literature only. Allele origin: germline. Inheritance: Autosomal recessive inheritance. Affected: yes. Observed: 3 variant alleles, 2 heterozygotes, 1 homozygote.
Comment: "In this study we show that homozygous deletions removing putative enhancers of GDF6 lead to nonsyndromic HL associated with cochlear aplasia" (Bademci et al. , 2020; PubMed 32369452).

Literature cited by the submitters: PubMed 32369452.

NC_000008.10:g.96596661_96934796delinsG

Variant type: Indel.
Other names: seq[GRCh37] del(8)(q22.1(96,596,660)::G::q22.1(96,934,797)).
Identifiers: ClinVar variation 3250368 (VCV003250368.1).